The following is an entry in ClinVar:

ClinVar aggregate classification (germline): Uncertain significance. Review status: criteria provided, multiple submitters, no conflicts (2 of 4 stars). 2 submissions from 2 submitters: Uncertain significance (2). Last evaluated 2024-01-14.

Conditions:
Brain small vessel disease 1 with or without ocular anomalies (BSVD1). Also called: PORENCEPHALY, TYPE 1, AUTOSOMAL DOMINANT; BRAIN SMALL VESSEL DISEASE WITH HEMORRHAGE; GOULD SYNDROME 1; Brain small vessel disease with or without ocular anomalies. Identifiers: Orphanet 2940, Orphanet 36383, Orphanet 99810, MedGen C4755307, MONDO:0008289, OMIM 175780.
Retinal arterial tortuosity. Also called: RETINAL HEMORRHAGE WITH VASCULAR TORTUOSITY; Retinal arteries, tortuosity of. Identifiers: Orphanet 75326, MedGen C0423401, MONDO:0008373, OMIM 180000, HP:0000631.
Microangiopathy and leukoencephalopathy, pontine, autosomal dominant. Also called: Pontine autosomal dominant microangiopathy with leukoencephalopathy; DEMENTIA, HEREDITARY MULTI-INFARCT, SWEDISH TYPE. Identifiers: Orphanet 477749, MedGen C5231411, MONDO:0032814, OMIM 618564.
Autosomal dominant familial hematuria-retinal arteriolar tortuosity-contractures syndrome. Also called: Angiopathy, hereditary, with nephropathy, aneurysms, and muscle cramps; Hereditary Angiopathy with Nephropathy, Aneurysms, and Muscle Cramps (HANAC) Syndrome. Identifiers: Orphanet 73229, MedGen C2673195, MONDO:0012726, OMIM 611773.
Hemorrhage, intracerebral, susceptibility to (ICH). Also called: Stroke, hemorrhagic, susceptibility to. Identifiers: MedGen C3281105, MONDO:0100533, OMIM 614519.

Allele frequency attached by ClinVar (database versions not stated): gnomAD exomes below 0.00001.
gnomAD v4.1: 3 of 1,614,140 alleles (0.00019%); highest among the groups gnomAD compares: Middle Eastern, 0.016%; no homozygotes.

Submissions (2):

Fulgent Genetics
Classification: Uncertain significance for Brain small vessel disease 1 with or without ocular anomalies; Retinal arterial tortuosity; Autosomal dominant familial hematuria-retinal arteriolar tortuosity-contractures syndrome; Hemorrhage, intracerebral, susceptibility to; Microangiopathy and leukoencephalopathy, pontine, autosomal dominant. Last evaluated: 2024-01-14. Review status: criteria provided, single submitter. Criteria: ACMG Guidelines, 2015. Collection method: clinical testing. Allele origin: germline.

Labcorp Genetics (formerly Invitae), Labcorp
Classification: Uncertain significance. Last evaluated: 2023-03-09. Review status: criteria provided, single submitter. Criteria: Invitae Variant Classification Sherloc (09022015). Collection method: clinical testing. Allele origin: germline.
Comment: This variant is present in population databases (no rsID available, gnomAD 0.003%). This sequence change replaces alanine, which is neutral and non-polar, with glycine, which is neutral and non-polar, at codon 496 of the COL4A1 protein (p.Ala496Gly). This variant has not been reported in the literature in individuals affected with COL4A1-related conditions. In summary, the available evidence is currently insufficient to determine the role of this variant in disease. Therefore, it has been classified as a Variant of Uncertain Significance. Advanced modeling of protein sequence and biophysical properties (such as structural, functional, and spatial information, amino acid conservation, physicochemical variation, residue mobility, and thermodynamic stability) performed at Invitae indicates that this missense variant is not expected to disrupt COL4A1 protein function. ClinVar contains an entry for this variant (Variation ID: 1352400).

NM_001845.6(COL4A1):c.1487C>G (p.Ala496Gly)

Gene: COL4A1 (collagen type IV alpha 1 chain; minus strand). Cytogenetic location: 13q34.
Variant type: single nucleotide variant.
Coding change: c.1487C>G on transcript NM_001845.6 (MANE Select); coding-DNA position 1487, C replaced by G.
Protein change: p.Ala496Gly; replaces alanine 496 with glycine.
Molecular consequence: missense variant.
Genome position (GRCh38, 1-based): chr13:110,192,263, G>C on the plus strand (C>G on the coding strand, the complement: COL4A1 is on the minus strand). VCF-style: chr13-110192263-G-C. GRCh37 (hg19) VCF-style: chr13-110844610-G-C.
Other names: c.1487C>G, p.Ala496Gly (NM_001303110.2); short protein forms A496G.
Identifiers: ClinVar variation 1352400 (VCV001352400.7), dbSNP rs1377162046, ClinGen allele CA388723411.